The following is an entry in ClinVar:

ClinVar aggregate classification (germline): Pathogenic (1 of 4 stars; one submission).

Allele frequency attached by ClinVar (database versions not stated): TOPMed below 0.00001.

Submission:

Labcorp Genetics (formerly Invitae), Labcorp
Classification: Pathogenic. Last evaluated: 2019-11-23. Review status: criteria provided, single submitter. Criteria: Invitae Variant Classification Sherloc (09022015). Collection method: clinical testing. Allele origin: germline.
Comment: This sequence change creates a premature translational stop signal (p.Gln395*) in the HERC1 gene. It is expected to result in an absent or disrupted protein product. This variant is not present in population databases (ExAC no frequency). This variant has not been reported in the literature in individuals with HERC1-related conditions. Algorithms developed to predict the effect of sequence changes on RNA splicing suggest that this variant may create or strengthen a splice site, but this prediction has not been confirmed by published transcriptional studies. Loss-of-function variants in HERC1 are known to be pathogenic (PMID: 26138117, 26153217, 27108999). For these reasons, this variant has been classified as Pathogenic.

Literature cited by the submitters: PubMed 26138117; PubMed 26153217; PubMed 27108999.

NM_003922.4(HERC1):c.1183C>T (p.Gln395Ter)

Gene: HERC1 (HECT and RLD domain containing E3 ubiquitin protein ligase family member 1; minus strand). Cytogenetic location: 15q22.31.
Variant type: single nucleotide variant.
Coding change: c.1183C>T on transcript NM_003922.4 (MANE Select); coding-DNA position 1183, C replaced by T.
Protein change: p.Gln395Ter; replaces glutamine 395 with a stop codon.
Molecular consequence: nonsense.
Genome position (GRCh38, 1-based): chr15:63,758,213, G>A on the plus strand (C>T on the coding strand, the complement: HERC1 is on the minus strand). VCF-style: chr15-63758213-G-A. GRCh37 (hg19) VCF-style: chr15-64050412-G-A.
Other names: short protein forms Q395*.
Identifiers: ClinVar variation 853776 (VCV000853776.3), dbSNP rs1205782054, ClinGen allele CA392804863.